The following is an entry in ClinVar:

ClinVar aggregate classification (germline): Benign (1 of 4 stars; one submission).

Submission:

GeneDx
Classification: Benign. Last evaluated: 2018-06-14. Review status: criteria provided, single submitter. Criteria: GeneDx Variant Classification (06012015). Collection method: clinical testing. Allele origin: germline. Affected: yes.
Comment: This variant is considered likely benign or benign based on one or more of the following criteria: it is a conservative change, it occurs at a poorly conserved position in the protein, it is predicted to be benign by multiple in silico algorithms, and/or has population frequency not consistent with disease.

NM_018127.7(ELAC2):c.871-188_871-183del

Gene: ELAC2 (elaC ribonuclease Z 2; minus strand). Cytogenetic location: 17p12.
Variant type: Deletion.
Coding change: c.871-188_871-183del on transcript NM_018127.7 (MANE Select); 188 bases into the intron before coding-DNA position 871 through 183 bases into the intron before coding-DNA position 871, 6 bases deleted (AGTTAC; older notation c.871-188_871-183delAGTTAC).
Molecular consequence: intron variant.
Genome position (GRCh38, 1-based): chr17:13,005,284-13,005,289, GTAACT deleted on the plus strand (AGTTAC on the coding strand, the reverse complement: ELAC2 is on the minus strand); deleting any 6 consecutive bases within chr17:13,005,284-13,005,291 gives the same sequence; the c. name uses the placement nearest the transcript's 3' end. VCF-style (leftmost placement, unchanged base first): chr17-13005283-GGTAACT-G. GRCh37 (hg19) VCF-style: chr17-12908600-GGTAACT-G.
Other names: c.751-188_751-183del (NM_001165962.2); c.871-188_871-183del (NM_173717.2).
Identifiers: ClinVar variation 674692 (VCV000674692.1), dbSNP rs10532461, ClinGen allele CA288085409.